The following is an entry in ClinVar:

ClinVar aggregate classification (germline): Uncertain significance (1 of 4 stars; one submission).

Submission:

Women's Health and Genetics/Laboratory Corporation of America, LabCorp
Classification: Uncertain significance. Last evaluated: 2022-02-11. Review status: criteria provided, single submitter. Criteria: LabCorp Variant Classification Summary - May 2015. Collection method: clinical testing. Allele origin: germline.
Comment: Variant summary: CFTR c.2988+3A>G alters a non-conserved nucleotide located close to a canonical splice site and therefore could affect mRNA splicing, leading to a significantly altered protein sequence. 4/4 computational tools predict no significant impact on normal splicing. However, these predictions have yet to be confirmed by functional studies. The variant was absent in 250938 control chromosomes. The available data on variant occurrences in the general population are insufficient to allow any conclusion about variant significance. To our knowledge, no occurrence of c.2988+3A>G in individuals affected with Cystic Fibrosis and no experimental evidence demonstrating its impact on protein function have been reported. No clinical diagnostic laboratories have submitted clinical-significance assessments for this variant to ClinVar after 2014. Based on the evidence outlined above, the variant was classified as uncertain significance.

NM_000492.4(CFTR):c.2988+3A>G

Genes: CFTR (CF transmembrane conductance regulator; plus strand), CFTR-AS2 (CFTR antisense RNA 2; minus strand). Cytogenetic location: 7q31.2.
Variant type: single nucleotide variant.
Coding change: c.2988+3A>G on transcript NM_000492.4 (MANE Select); 3 bases into the intron after coding-DNA position 2988, A replaced by G.
Molecular consequence: intron variant.
Genome position (GRCh38, 1-based): chr7:117,606,756, A>G. VCF-style: chr7-117606756-A-G. GRCh37 (hg19) VCF-style: chr7-117246810-A-G.
Identifiers: ClinVar variation 1343488 (VCV001343488.1), dbSNP rs2116069964, ClinGen allele CA2573052805.